The following is an entry in ClinVar:

NM_000288.4(PEX7):c.533dup (p.Thr179fs)

Gene: PEX7 (peroxisomal biogenesis factor 7; plus strand). Cytogenetic location: 6q23.3.
Variant type: Duplication.
Coding change: c.533dup on transcript NM_000288.4 (MANE Select); coding-DNA position 533, one base duplicated (A; older notation c.533dupA).
Protein change: p.Thr179fs; shifts the reading frame from threonine 179.
Molecular consequence: frameshift variant.
Genome position (GRCh38, 1-based): chr6:136,866,633, A duplicated. VCF-style (leftmost placement, unchanged base first): chr6-136866632-C-CA. GRCh37 (hg19) VCF-style: chr6-137187770-C-CA.
Other names: c.419dup, p.Thr141fs (NM_001410945.1); short protein forms T141fs, T179fs.
Identifiers: ClinVar variation 5013132 (VCV005013132.1).

ClinVar aggregate classification (germline): Pathogenic (1 of 4 stars; one submission).

Conditions:
Peroxisome biogenesis disorder. Identifiers: Orphanet 79189, MedGen C1832200, MONDO:0019234. Disease mechanism: loss of function.

Submission:

Myriad Genetics, Inc.
Classification: Pathogenic for Peroxisome biogenesis disorder. Last evaluated: 2024-06-01. Review status: criteria provided, single submitter. Criteria: Myriad Autosomal Dominant, Autosomal Recessive and X-Linked Classification Criteria (2023). Collection method: clinical testing. Allele origin: unknown.
Comment: NM_000288.3(PEX7):c.533dupA(T179Dfs*27) is expected to be pathogenic in the context of PEX7-related disorders. This variant is predicted to lead to an abnormal or absent protein product due to the creation of a premature termination codon in PEX7, a gene where loss-of-function variants are known to be pathogenic. Please note: this variant was assessed in the context of healthy population screening.